The following is an entry in ClinVar:

NM_004431.5(EPHA2):c.1180C>T (p.Arg394Cys)

Gene: EPHA2 (EPH receptor A2; minus strand). Cytogenetic location: 1p36.13.
Variant type: single nucleotide variant.
Coding change: c.1180C>T on transcript NM_004431.5 (MANE Select); coding-DNA position 1180, C replaced by T.
Protein change: p.Arg394Cys; replaces arginine 394 with cysteine.
Molecular consequence: missense variant.
Genome position (GRCh38, 1-based): chr1:16,137,985, G>A on the plus strand (C>T on the coding strand, the complement: EPHA2 is on the minus strand). VCF-style: chr1-16137985-G-A. GRCh37 (hg19) VCF-style: chr1-16464480-G-A.
Other names: c.1018C>T, p.Arg340Cys (NM_001329090.2); short protein forms R340C, R394C.
Identifiers: ClinVar variation 2783478 (VCV002783478.3), dbSNP rs775134362, ClinGen allele CA625290.

ClinVar aggregate classification (germline): Uncertain significance (1 of 4 stars; one submission).

Conditions:
Cataract 6 multiple types. Also called: CATARACT, AGE-RELATED CORTICAL, 2; CATARACT 6, POSTERIOR POLAR; CATARACT 6, CONGENITAL TOTAL. Identifiers: Orphanet 91492, MedGen C1861825, MONDO:0007288, OMIM 116600.

Allele frequency attached by ClinVar (database versions not stated): ExAC 0.00002; gnomAD 0.00002; gnomAD exomes 0.00002; TOPMed 0.00002.

Submission:

Labcorp Genetics (formerly Invitae), Labcorp
Classification: Uncertain significance for Cataract 6 multiple types. Last evaluated: 2024-12-02. Review status: criteria provided, single submitter. Criteria: Invitae Variant Classification Sherloc (09022015). Collection method: clinical testing. Allele origin: germline.
Comment: This sequence change replaces arginine, which is basic and polar, with cysteine, which is neutral and slightly polar, at codon 394 of the EPHA2 protein (p.Arg394Cys). This variant is present in population databases (rs775134362, gnomAD 0.003%). This variant has not been reported in the literature in individuals affected with EPHA2-related conditions. ClinVar contains an entry for this variant (Variation ID: 2783478). Invitae Evidence Modeling of protein sequence and biophysical properties (such as structural, functional, and spatial information, amino acid conservation, physicochemical variation, residue mobility, and thermodynamic stability) indicates that this missense variant is not expected to disrupt EPHA2 protein function with a negative predictive value of 80%. In summary, the available evidence is currently insufficient to determine the role of this variant in disease. Therefore, it has been classified as a Variant of Uncertain Significance.